The following is an entry in ClinVar:

NM_000069.3(CACNA1S):c.5039T>G (p.Val1680Gly)

Gene: CACNA1S (calcium voltage-gated channel subunit alpha1 S; minus strand). Cytogenetic location: 1q32.1.
Variant type: single nucleotide variant.
Coding change: c.5039T>G on transcript NM_000069.3 (MANE Select); coding-DNA position 5039, T replaced by G.
Protein change: p.Val1680Gly; replaces valine 1680 with glycine.
Molecular consequence: missense variant.
Genome position (GRCh38, 1-based): chr1:201,043,290, A>C on the plus strand (T>G on the coding strand, the complement: CACNA1S is on the minus strand). VCF-style: chr1-201043290-A-C. GRCh37 (hg19) VCF-style: chr1-201012418-A-C.
Other names: short protein forms V1680G.
Identifiers: ClinVar variation 3072249 (VCV003072249.2), dbSNP rs2464410095, ClinGen allele CA344135291.

ClinVar aggregate classification (germline): Uncertain significance (1 of 4 stars; one submission).

Conditions:
Malignant hyperthermia, susceptibility to, 5 (MHS5). Also called: CACNA1S-Related Malignant Hyperthermia Susceptibility. Identifiers: Orphanet 423, MedGen C1866077, MONDO:0011163, OMIM 601887.

Submission:

All of Us Research Program, National Institutes of Health
Classification: Uncertain significance for Malignant hyperthermia, susceptibility to, 5. Last evaluated: 2024-09-27. Review status: criteria provided, single submitter. Criteria: ACMG Guidelines, 2015. Collection method: clinical testing. Allele origin: germline. Inheritance: Autosomal dominant inheritance. Observed: 2 variant alleles, 2 heterozygotes.
Comment: This missense variant replaces valine with glycine at codon 1680 of the CACNA1S protein. Computational prediction suggests that this variant may not impact protein structure and function (internally defined REVEL score threshold <= 0.5, PMID: 27666373). To our knowledge, functional studies have not been reported for this variant. This variant has not been reported in individuals affected with CACNA1S-related disorders in the literature. This variant has not been identified in the general population by the Genome Aggregation Database (gnomAD). The available evidence is insufficient to determine the role of this variant in disease conclusively. Therefore, this variant is classified as a Variant of Uncertain Significance.

This study involves interpretation of variants in research participants for the purpose of population health screening. Participant phenotype was not available at the time of variant classification. Additional details can be found in publication PMID: 35346344, PMCID: PMC8962531